The following is an entry in ClinVar:

NM_001235.5(SERPINH1):c.100G>A (p.Glu34Lys)

Gene: SERPINH1 (serpin family H member 1; plus strand). Cytogenetic location: 11q13.5.
Variant type: single nucleotide variant.
Coding change: c.100G>A on transcript NM_001235.5 (MANE Select); coding-DNA position 100, G replaced by A.
Protein change: p.Glu34Lys; replaces glutamic acid 34 with lysine.
Molecular consequence: missense variant.
Genome position (GRCh38, 1-based): chr11:75,566,449, G>A. VCF-style: chr11-75566449-G-A. GRCh37 (hg19) VCF-style: chr11-75277494-G-A.
Other names: c.100G>A, p.Glu34Lys (NM_001207014.3); short protein forms E34K.
Identifiers: ClinVar variation 1475351 (VCV001475351.6), dbSNP rs1243031165, ClinGen allele CA381888849.

ClinVar aggregate classification (germline): Uncertain significance (1 of 4 stars; one submission).

Submission:

Labcorp Genetics (formerly Invitae), Labcorp
Classification: Uncertain significance. Last evaluated: 2021-11-05. Review status: criteria provided, single submitter. Criteria: Invitae Variant Classification Sherloc (09022015). Collection method: clinical testing. Allele origin: germline.
Comment: In summary, the available evidence is currently insufficient to determine the role of this variant in disease. Therefore, it has been classified as a Variant of Uncertain Significance. Advanced modeling of protein sequence and biophysical properties (such as structural, functional, and spatial information, amino acid conservation, physicochemical variation, residue mobility, and thermodynamic stability) performed at Invitae indicates that this missense variant is not expected to disrupt SERPINH1 protein function. This variant has not been reported in the literature in individuals affected with SERPINH1-related conditions. This variant is not present in population databases (gnomAD no frequency). This sequence change replaces glutamic acid, which is acidic and polar, with lysine, which is basic and polar, at codon 34 of the SERPINH1 protein (p.Glu34Lys).